The following is an entry in ClinVar:

NM_001387690.1(KATNAL2):c.511C>T (p.Arg171Cys)

Gene: KATNAL2 (katanin catalytic subunit A1 like 2; plus strand). Cytogenetic location: 18q21.1.
Variant type: single nucleotide variant.
Coding change: c.511C>T on transcript NM_001387690.1 (MANE Select); coding-DNA position 511, C replaced by T.
Protein change: p.Arg171Cys; replaces arginine 171 with cysteine.
Molecular consequence: missense variant. On other transcripts: non-coding transcript variant (1).
Genome position (GRCh38, 1-based): chr18:47,059,616, C>T. VCF-style: chr18-47059616-C-T. GRCh37 (hg19) VCF-style: chr18-44585987-C-T.
Other names: c.295C>T (NM_031303.2); c.589C>T, p.Arg197Cys (NM_001353899.1, NM_001353902.1); c.586C>T, p.Arg196Cys (NM_001353900.1); c.511C>T, p.Arg171Cys (NM_001353901.1, NM_001367621.1); c.178C>T, p.Arg60Cys (NM_001353903.1, NM_001353904.1, NM_001353905.1 and 4 more transcripts); c.295C>T, p.Arg99Cys (NM_031303.3); short protein forms R171C, R196C, R197C, R60C, R99C.
Identifiers: ClinVar variation 3341838 (VCV003341838.17).

ClinVar aggregate classification (germline): Conflicting classifications of pathogenicity. Review status: criteria provided, conflicting classifications (1 of 4 stars). 2 submissions from 2 submitters: Uncertain significance (1); Likely benign (1). Last evaluated 2024-08-21.

gnomAD v4.1: 165 of 1,613,446 alleles (0.01%); highest among the groups gnomAD compares: Middle Eastern, 0.016%; 1 homozygote.

Submissions (2):

Ambry Genetics
Classification: Uncertain significance. Last evaluated: 2024-08-21. Review status: criteria provided, single submitter. Criteria: Ambry Variant Classification Scheme 2023. Collection method: clinical testing. Allele origin: germline.

CeGaT Center for Human Genetics Tuebingen
Classification: Likely benign. Last evaluated: 2024-08-01. Review status: criteria provided, single submitter. Criteria: CeGaT Center For Human Genetics Tuebingen Variant Classification Criteria Version 2. Collection method: clinical testing. Allele origin: germline. Affected: yes. Observed: 1 variant allele.
Comment: KATNAL2: BS1